The following is an entry in ClinVar:

NM_025000.4(DCAF17):c.79G>A (p.Val27Met)

Genes: DCAF17 (DDB1 and CUL4 associated factor 17; plus strand), METTL8 (methyltransferase 8, tRNA N3-cytidine; minus strand). Cytogenetic location: 2q31.1.
Variant type: single nucleotide variant.
Coding change: c.79G>A on transcript NM_025000.4 (MANE Select); coding-DNA position 79, G replaced by A.
Protein change: p.Val27Met; replaces valine 27 with methionine.
Molecular consequence: missense variant. On other transcripts: non-coding transcript variant (1), intron variant (4).
Genome position (GRCh38, 1-based): chr2:171,434,656, G>A. VCF-style: chr2-171434656-G-A. GRCh37 (hg19) VCF-style: chr2-172291166-G-A.
Other names: c.79G>A, p.Val27Met (NM_001164821.2); c.8+18C>T (NM_001321161.2, NM_001321158.2, NM_001321157.2); c.-13+18C>T (NM_024770.5); short protein forms V27M.
Identifiers: ClinVar variation 3672813 (VCV003672813.1).
Genomic context (GRCh38, chr2:171,434,656, plus strand): 5'-CCCAACGTGTGCAGCCGGCTGAGTCGCCGGGCGCTGGGCTGCTTCTCGCGCGACGCAGGC[G>A]TGGTGCAGAGGACCAACCTGGGCATCCTGCGGGCGCTGGTGTGCCAGGTGACCGCCAGCC-3'
Protein context (NP_079276.2, residues 17-37): ALGCFSRDAG[Val27Met]VQRTNLGILR

ClinVar aggregate classification (germline): Uncertain significance (1 of 4 stars; one submission).

Conditions:
Woodhouse-Sakati syndrome. Also called: Hypogonadism, Alopecia, Diabetes Mellitus, Mental Retardation, and Extrapyramidal Syndrome; Hypogonadism, diabetes mellitus, alopecia, mental retardation and electrocardiographic abnormalities; EXTRAPYRAMIDAL DISORDER, PROGRESSIVE, WITH PRIMARY HYPOGONADISM, MENTAL RETARDATION, AND ALOPECIA. Identifiers: Orphanet 3464, MedGen C0342286, MONDO:0009419, OMIM 241080.

gnomAD v4.1: 4 of 1,535,304 alleles (0.00026%); highest among the groups gnomAD compares: African/African-American, 0.0042%; no homozygotes.

Submission:

Labcorp Genetics (formerly Invitae), Labcorp
Classification: Uncertain significance for Woodhouse-Sakati syndrome. Last evaluated: 2024-08-08. Review status: criteria provided, single submitter. Criteria: Invitae Variant Classification Sherloc (09022015). Collection method: clinical testing. Allele origin: germline.
Comment: This sequence change replaces valine, which is neutral and non-polar, with methionine, which is neutral and non-polar, at codon 27 of the DCAF17 protein (p.Val27Met). This variant is not present in population databases (gnomAD no frequency). This variant has not been reported in the literature in individuals affected with DCAF17-related conditions. Advanced modeling of protein sequence and biophysical properties (such as structural, functional, and spatial information, amino acid conservation, physicochemical variation, residue mobility, and thermodynamic stability) performed at Invitae indicates that this missense variant is not expected to disrupt DCAF17 protein function with a negative predictive value of 80%. In summary, the available evidence is currently insufficient to determine the role of this variant in disease. Therefore, it has been classified as a Variant of Uncertain Significance.